The following is an entry in ClinVar:

NM_001364905.1(LRBA):c.3064G>A (p.Glu1022Lys)

Gene: LRBA (LPS responsive beige-like anchor protein; minus strand). Cytogenetic location: 4q31.3.
Variant type: single nucleotide variant.
Coding change: c.3064G>A on transcript NM_001364905.1 (MANE Select); coding-DNA position 3064, G replaced by A.
Protein change: p.Glu1022Lys; replaces glutamic acid 1022 with lysine.
Molecular consequence: missense variant.
Genome position (GRCh38, 1-based): chr4:150,852,646, C>T on the plus strand (G>A on the coding strand, the complement: LRBA is on the minus strand). VCF-style: chr4-150852646-C-T. GRCh37 (hg19) VCF-style: chr4-151773798-C-T.
Other names: c.3064G>A, p.Glu1022Lys (NM_001199282.3, NM_001367550.1, NM_006726.5); short protein forms E1022K.
Identifiers: ClinVar variation 664008 (VCV000664008.7), dbSNP rs180892740, ClinGen allele CA3103106.

ClinVar aggregate classification (germline): Uncertain significance (1 of 4 stars; one submission).

Conditions:
Combined immunodeficiency due to LRBA deficiency. Also called: Common variable immunodeficiency 8, with autoimmunity. Identifiers: Orphanet 445018, MedGen C3553512, MONDO:0013863, OMIM 614700.

Allele frequency attached by ClinVar (database versions not stated): gnomAD 0.00001 and 0.00005; gnomAD exomes 0.00003 and 0.00010; ExAC 0.00014; 1000 Genomes Project 30x 0.00078; 1000 Genomes Project 0.00080; TOPMed 0.00006.
gnomAD v4.1: 52 of 1,614,048 alleles (0.0032%); highest among the groups gnomAD compares: East Asian, 0.056%; no homozygotes.

Submission:

Labcorp Genetics (formerly Invitae), Labcorp
Classification: Uncertain significance for Combined immunodeficiency due to LRBA deficiency. Last evaluated: 2024-09-30. Review status: criteria provided, single submitter. Criteria: Invitae Variant Classification Sherloc (09022015). Collection method: clinical testing. Allele origin: germline.
Comment: This sequence change replaces glutamic acid, which is acidic and polar, with lysine, which is basic and polar, at codon 1022 of the LRBA protein (p.Glu1022Lys). This variant is present in population databases (rs180892740, gnomAD 0.1%). This variant has not been reported in the literature in individuals affected with LRBA-related conditions. ClinVar contains an entry for this variant (Variation ID: 664008). Invitae Evidence Modeling of protein sequence and biophysical properties (such as structural, functional, and spatial information, amino acid conservation, physicochemical variation, residue mobility, and thermodynamic stability) indicates that this missense variant is not expected to disrupt LRBA protein function with a negative predictive value of 80%. In summary, the available evidence is currently insufficient to determine the role of this variant in disease. Therefore, it has been classified as a Variant of Uncertain Significance.